The following is an entry in ClinVar:

NM_000081.4(LYST):c.9252T>G (p.Asp3084Glu)

Gene: LYST (lysosomal trafficking regulator; minus strand). Cytogenetic location: 1q42.3.
Variant type: single nucleotide variant.
Coding change: c.9252T>G on transcript NM_000081.4 (MANE Select); coding-DNA position 9252, T replaced by G.
Protein change: p.Asp3084Glu; replaces aspartic acid 3084 with glutamic acid.
Molecular consequence: missense variant.
Genome position (GRCh38, 1-based): chr1:235,724,091, A>C on the plus strand (T>G on the coding strand, the complement: LYST is on the minus strand). VCF-style: chr1-235724091-A-C. GRCh37 (hg19) VCF-style: chr1-235887391-A-C.
Other names: c.9252T>G, p.Asp3084Glu (NM_001301365.1); short protein forms D3084E.
Identifiers: ClinVar variation 3636374 (VCV003636374.2).

ClinVar aggregate classification (germline): Uncertain significance (1 of 4 stars; one submission).

Conditions:
Chédiak-Higashi syndrome (CHS). Also called: Chediak-Higashi Syndrome. Identifiers: Orphanet 167, MedGen C0007965, MONDO:0008963, OMIM 214500.

gnomAD v4.1: 14 of 1,613,472 alleles (0.00087%); highest among the groups gnomAD compares: African/African-American, 0.0013%; no homozygotes.

Submission:

Labcorp Genetics (formerly Invitae), Labcorp
Classification: Uncertain significance for Chédiak-Higashi syndrome. Last evaluated: 2025-07-30. Review status: criteria provided, single submitter. Criteria: Invitae Variant Classification Sherloc (09022015). Collection method: clinical testing. Allele origin: germline.
Comment: This sequence change replaces aspartic acid, which is acidic and polar, with glutamic acid, which is acidic and polar, at codon 3084 of the LYST protein (p.Asp3084Glu). This variant is present in population databases (rs376276274, gnomAD 0.004%). This variant has not been reported in the literature in individuals affected with LYST-related conditions. ClinVar contains an entry for this variant (Variation ID: 3636374). Invitae Evidence Modeling of protein sequence and biophysical properties (such as structural, functional, and spatial information, amino acid conservation, physicochemical variation, residue mobility, and thermodynamic stability) indicates that this missense variant is not expected to disrupt LYST protein function with a negative predictive value of 80%. In summary, the available evidence is currently insufficient to determine the role of this variant in disease. Therefore, it has been classified as a Variant of Uncertain Significance.